The following is an entry in ClinVar:

ClinVar aggregate classification (germline): Pathogenic/Likely pathogenic. Review status: criteria provided, multiple submitters, no conflicts (2 of 4 stars). 4 submissions from 4 submitters: Pathogenic (3); Likely pathogenic (1). Last evaluated 2026-03-06.

Conditions:
Primary ciliary dyskinesia 22. Also called: CILIARY DYSKINESIA, PRIMARY, 22, WITH OR WITHOUT SITUS INVERSUS. Identifiers: Orphanet 244, MedGen C3809543, MONDO:0014192, OMIM 615444.
Primary ciliary dyskinesia 7. Also called: CILIARY DYSKINESIA, PRIMARY, 7, WITH OR WITHOUT SITUS INVERSUS. Identifiers: Orphanet 244, MedGen C2678473, MONDO:0012748, OMIM 611884.
Primary ciliary dyskinesia. Also called: Ciliary dyskinesia. Identifiers: Orphanet 244, MedGen C0008780, MONDO:0016575, HP:0012265.

Submissions (4):

Clinical Genetics Laboratory, Skane University Hospital Lund
Classification: Pathogenic for Primary ciliary dyskinesia 7. Last evaluated: 2026-03-06. Review status: criteria provided, single submitter. Criteria: ACMG Guidelines, 2015. Collection method: clinical testing. Allele origin: germline. Inheritance: Autosomal recessive inheritance. Affected: yes.
Comment: DNAH11 (NM_001277115.2) c.860dup, p.(Asn287Lysfs*7) represents a single base pair duplication in exon 4 of 82, resulting in a frameshift and a premature stop codon, and consequently a truncated protein or loss of protein expression from the allele. DNAH11 c.860dup has previously been detected at low allele frequency in the general population (gnomAD) and is reported as predominantly pathogenic in the ClinVar database (Variation ID: 1460085). In PCD, the probability of disease-causing variants in DNAH11 is considered high when other known disease-associated genes included in the current analysis have been excluded (see and PMID: 38103548). The variant has been classified as pathogenic based on the following ACMG criteria: PVS1, PM2, PP1, PP4_Moderate.

Women's Health and Genetics/Laboratory Corporation of America, LabCorp
Classification: Pathogenic for Primary ciliary dyskinesia 7. Last evaluated: 2025-01-07. Review status: criteria provided, single submitter. Criteria: LabCorp Variant Classification Summary - May 2015. Collection method: clinical testing. Allele origin: germline.
Comment: Variant summary: DNAH11 c.860dupA (p.Asn287LysfsX7) results in a premature termination codon, predicted to cause absence of the protein due to nonsense mediated decay, which is a commonly known mechanisms for disease. The variant allele was found at a frequency of 4.3e-06 in 231420 control chromosomes. To our knowledge, no occurrence of c.860dupA in individuals affected with Primary Ciliary Dyskinesia 7 and no experimental evidence demonstrating its impact on protein function have been reported. ClinVar contains an entry for this variant (Variation ID: 1460085). Based on the evidence outlined above, the variant was classified as pathogenic.

Labcorp Genetics (formerly Invitae), Labcorp
Classification: Pathogenic for Primary ciliary dyskinesia. Last evaluated: 2024-01-11. Review status: criteria provided, single submitter. Criteria: Invitae Variant Classification Sherloc (09022015). Collection method: clinical testing. Allele origin: germline.
Comment: This sequence change creates a premature translational stop signal (p.Asn287Lysfs*7) in the DNAH11 gene. It is expected to result in an absent or disrupted protein product. Loss-of-function variants in DNAH11 are known to be pathogenic (PMID: 18022865, 20513915, 22184204). This variant is present in population databases (rs781372148, gnomAD 0.001%). This variant has not been reported in the literature in individuals affected with DNAH11-related conditions. ClinVar contains an entry for this variant (Variation ID: 1460085). For these reasons, this variant has been classified as Pathogenic.

Department of Human Genetics, Hannover Medical School
Classification: Likely pathogenic for Primary ciliary dyskinesia 22. Last evaluated: 2022-01-20. Review status: criteria provided, single submitter. Criteria: ACMG Guidelines, 2015. Collection method: clinical testing. Allele origin: germline. Inheritance: Autosomal recessive inheritance. Affected: yes.

Literature cited by the submitters: PubMed 38103548 (cited by Clinical Genetics Laboratory, Skane University Hospital Lund); PubMed 18022865 (cited by Labcorp Genetics (formerly Invitae), Labcorp); PubMed 20513915 (cited by Labcorp Genetics (formerly Invitae), Labcorp); PubMed 22184204 (cited by Labcorp Genetics (formerly Invitae), Labcorp).

NM_001277115.2(DNAH11):c.860dup (p.Asn287fs)

Gene: DNAH11 (dynein axonemal heavy chain 11; plus strand). Cytogenetic location: 7p15.3.
Variant type: Duplication.
Coding change: c.860dup on transcript NM_001277115.2 (MANE Select); coding-DNA position 860, one base duplicated (A; older notation c.860dupA).
Protein change: p.Asn287fs; shifts the reading frame from asparagine 287.
Molecular consequence: frameshift variant.
Genome position (GRCh38, 1-based): chr7:21,559,770, A duplicated; the last of 4 consecutive A bases (chr7:21,559,767-21,559,770); duplicating any one gives the same sequence. VCF-style (leftmost placement, unchanged base first): chr7-21559766-G-GA. GRCh37 (hg19) VCF-style: chr7-21599384-G-GA.
Other names: c.860dupA (NM_001277115.2); short protein forms N287fs.
Identifiers: ClinVar variation 1460085 (VCV001460085.11), dbSNP rs781372148, ClinGen allele CA4178799.
Genomic context (GRCh38, chr7:21,559,766, plus strand): 5'-TTGTTGAATGGTCTTCACTTGTCTCCTCAAGCAGAACTAGATTTCTGGATGATGAGGAGA[G>GA]AAAATCTGTCATGCATTTATGATCAAGTAAGTAGATAGCCCTAGAAATTATAAATTAAAT-3'